The following is an entry in ClinVar:

NM_001165963.4(SCN1A):c.5053G>A (p.Ala1685Thr)

Genes: SCN1A (sodium voltage-gated channel alpha subunit 1; minus strand), LOC102724058 (uncharacterized LOC102724058; plus strand). Cytogenetic location: 2q24.3.
Variant type: single nucleotide variant.
Coding change: c.5053G>A on transcript NM_001165963.4 (MANE Select); coding-DNA position 5053, G replaced by A.
Protein change: p.Ala1685Thr; replaces alanine 1685 with threonine.
Molecular consequence: missense variant. On other transcripts: non-coding transcript variant (1).
Genome position (GRCh38, 1-based): chr2:165,992,222, C>T on the plus strand (G>A on the coding strand, the complement: SCN1A is on the minus strand). VCF-style: chr2-165992222-C-T. GRCh37 (hg19) VCF-style: chr2-166848732-C-T.
Other names: c.5020G>A, p.Ala1674Thr (NM_001353952.2, NM_006920.6, NM_001353949.2 and 2 more transcripts); c.5017G>A, p.Ala1673Thr (NM_001353954.2, NM_001353955.2); c.4969G>A, p.Ala1657Thr (NM_001353957.2, NM_001353958.2, NM_001165964.3); c.4966G>A, p.Ala1656Thr (NM_001353960.2); c.2611G>A, p.Ala871Thr (NM_001353961.2); c.5053G>A (NM_001165963.1); c.5053G>A, p.Ala1685Thr (NM_001202435.3, NM_001353948.2); short protein forms A1674T, A1685T, A1673T, A871T, A1656T, A1657T.
Identifiers: ClinVar variation 2733467 (VCV002733467.4), dbSNP rs760249153, ClinGen allele CA349069472.

ClinVar aggregate classification (germline): Conflicting classifications of pathogenicity. Review status: criteria provided, conflicting classifications (1 of 4 stars). 2 submissions from 2 submitters: Likely pathogenic (1); Uncertain significance (1). Last evaluated 2025-03-12.

Conditions:
Early-infantile DEE. Also called: Early infantile epileptic encephalopathy; Early infantile epileptic encephalopathy with suppression bursts; Ohtahara syndrome. Identifiers: Orphanet 1934, MedGen C0393706, MONDO:0800491.

gnomAD v4.1: 1 of 1,613,712 alleles (0.000062%); highest among the groups gnomAD compares: Non-Finnish European, 0.000085%; no homozygotes.

Submissions (2):

Labcorp Genetics (formerly Invitae), Labcorp
Classification: Likely pathogenic for Early-infantile DEE. Last evaluated: 2025-03-12. Review status: criteria provided, single submitter. Criteria: Invitae Variant Classification Sherloc (09022015). Collection method: clinical testing. Allele origin: germline.
Comment: This sequence change replaces alanine, which is neutral and non-polar, with threonine, which is neutral and polar, at codon 1685 of the SCN1A protein (p.Ala1685Thr). This variant is not present in population databases (gnomAD no frequency). This variant has not been reported in the literature in individuals affected with SCN1A-related conditions. ClinVar contains an entry for this variant (Variation ID: 2733467). Invitae Evidence Modeling of protein sequence and biophysical properties (such as structural, functional, and spatial information, amino acid conservation, physicochemical variation, residue mobility, and thermodynamic stability) indicates that this missense variant is expected to disrupt SCN1A protein function with a positive predictive value of 95%. This variant disrupts the p.Ala1685 amino acid residue in SCN1A. Other variant(s) that disrupt this residue have been determined to be pathogenic (PMID: 11823106, 14672992, 22525008). This suggests that this residue is clinically significant, and that variants that disrupt this residue are likely to be disease-causing. In summary, the currently available evidence indicates that the variant is pathogenic, but additional data are needed to prove that conclusively. Therefore, this variant has been classified as Likely Pathogenic.

GeneDx
Classification: Uncertain significance. Last evaluated: 2024-12-11. Review status: criteria provided, single submitter. Criteria: GeneDx Variant Classification Process June 2021. Collection method: clinical testing. Allele origin: germline. Affected: yes.
Comment: Not observed at significant frequency in large population cohorts (gnomAD); In silico analysis supports that this missense variant has a deleterious effect on protein structure/function; Has not been previously published as pathogenic or benign to our knowledge; This substitution is predicted to be within the transmembrane segment S5 of the fourth homologous domain

Literature cited by the submitters: PubMed 11823106 (cited by Labcorp Genetics (formerly Invitae), Labcorp); PubMed 14672992 (cited by Labcorp Genetics (formerly Invitae), Labcorp); PubMed 22525008 (cited by Labcorp Genetics (formerly Invitae), Labcorp).